The following is an entry in ClinVar:

ClinVar aggregate classification (germline): Conflicting classifications of pathogenicity. Review status: criteria provided, conflicting classifications (1 of 4 stars). 4 submissions from 4 submitters: Uncertain significance (1); Benign (1). 2 of the submissions do not count toward it. Last evaluated 2026-01-20.

Conditions:
OCRL-related disorder. Also called: OCRL-related condition.
Lowe syndrome (OCRL). Also called: Oculocerebrorenal Syndrome; LOWE OCULOCEREBRORENAL SYNDROME; PHOSPHATIDYLINOSITOL 4,5-BISPHOSPHATE 5-PHOSPHATASE DEFICIENCY. Identifiers: Orphanet 534, MedGen C0028860, MONDO:0010645, OMIM 309000.

Allele frequency attached by ClinVar (database versions not stated): 1000 Genomes Project 30x 0.00021; ExAC 0.00029; gnomAD exomes 0.00034; gnomAD 0.00110 and 0.00132; TOPMed 0.00143.
gnomAD v4.1: 233 of 1,147,905 alleles (0.02%); highest among the groups gnomAD compares: African/African-American, 0.39%; no homozygotes.

Submissions (4):

Labcorp Genetics (formerly Invitae), Labcorp
Classification: Benign for Lowe syndrome. Last evaluated: 2026-01-20. Review status: criteria provided, single submitter. Criteria: Invitae Variant Classification Sherloc (09022015). Collection method: clinical testing. Allele origin: germline.

Eurofins Ntd Llc (ga)
Classification: Uncertain significance. Last evaluated: 2015-02-11. Review status: criteria provided, single submitter. Criteria: EGL Classification Definitions 2015. Collection method: clinical testing. Allele origin: germline. Observed: 1 variant allele, 1 heterozygote.

Genetic Services Laboratory, University of Chicago
Classification: Likely benign. Last evaluated: 2022-04-20. Review status: no assertion criteria provided. Collection method: clinical testing. Allele origin: germline. Affected: no. Not counted in ClinVar's aggregate classification.

PreventionGenetics, part of Exact Sciences
Classification: Benign for OCRL-related condition. Last evaluated: 2022-02-17. Review status: no assertion criteria provided. Collection method: clinical testing. Allele origin: germline. Not counted in ClinVar's aggregate classification.
Comment: This variant is classified as benign based on ACMG/AMP sequence variant interpretation guidelines (Richards et al. 2015 PMID: 25741868, with internal and published modifications).

NM_000276.4(OCRL):c.39+10G>A

Gene: OCRL (OCRL inositol polyphosphate-5-phosphatase; plus strand). Cytogenetic location: Xq26.1.
Variant type: single nucleotide variant.
Coding change: c.39+10G>A on transcript NM_000276.4 (MANE Select); 10 bases into the intron after coding-DNA position 39, G replaced by A.
Molecular consequence: intron variant.
Genome position (GRCh38, 1-based): chrX:129,540,488, G>A. VCF-style: chrX-129540488-G-A. GRCh37 (hg19) VCF-style: chrX-128674465-G-A.
Other names: c.39+10G>A (NM_001318784.2, NM_001587.4).
Identifiers: ClinVar variation 193072 (VCV000193072.19), dbSNP rs765141317, ClinGen allele CA238577.